The following is an entry in ClinVar:

NM_001943.5(DSG2):c.3233G>A (p.Gly1078Glu)

Genes: DSG2 (desmoglein 2; plus strand), DSG2-AS1 (DSG2 antisense RNA 1; minus strand). Cytogenetic location: 18q12.1.
Variant type: single nucleotide variant.
Coding change: c.3233G>A on transcript NM_001943.5 (MANE Select); coding-DNA position 3233, G replaced by A.
Protein change: p.Gly1078Glu; replaces glycine 1078 with glutamic acid.
Molecular consequence: missense variant.
Genome position (GRCh38, 1-based): chr18:31,546,619, G>A. VCF-style: chr18-31546619-G-A. GRCh37 (hg19) VCF-style: chr18-29126582-G-A.
Other names: short protein forms G1078E.
Identifiers: ClinVar variation 919741 (VCV000919741.4), dbSNP rs1064795829, ClinGen allele CA402149045.

ClinVar aggregate classification (germline): Uncertain significance. Review status: criteria provided, multiple submitters, no conflicts (2 of 4 stars). 2 submissions from 2 submitters: Uncertain significance (2). Last evaluated 2025-04-09.

Conditions:
Cardiovascular phenotype. Identifiers: MedGen CN230736.
Cardiomyopathy (CMYO). Also called: Cardiomyopathies. Identifiers: Orphanet 167848, MedGen C0878544, MONDO:0004994, HP:0001638. Inheritance: Various modes of inheritance.

Submissions (2):

Molecular Diagnostic Laboratory for Inherited Cardiovascular Disease, Montreal Heart Institute
Classification: Uncertain significance for Cardiovascular phenotype. Last evaluated: 2025-04-09. Review status: criteria provided, single submitter. Criteria: ACMG Guidelines, 2015. Collection method: clinical testing. Allele origin: germline. Affected: yes.
Comment: PM2, BP4

Color Diagnostics, LLC DBA Color Health
Classification: Uncertain significance for Cardiomyopathy. Last evaluated: 2024-03-06. Review status: criteria provided, single submitter. Criteria: ACMG Guidelines, 2015. Collection method: clinical testing. Allele origin: germline.
Comment: This missense variant replaces glycine with glutamic acid at codon 1078 of the DSG2 protein. Computational prediction tool suggests that this variant may not impact protein structure and function (internally defined REVEL score threshold <=0.5, PMID: 27666373). Splice site prediction tools suggest that this variant may not impact RNA splicing. To our knowledge, functional studies have not been performed for this variant. This variant has not been reported in individuals affected with cardiovascular disorders in the literature. This variant has not been identified in the general population by the Genome Aggregation Database (gnomAD). The available evidence is insufficient to determine the role of this variant in disease conclusively. Therefore, this variant is classified as a Variant of Uncertain Significance.